The following is an entry in ClinVar:

ClinVar aggregate classification (germline): Benign (1 of 4 stars; one submission).

Conditions:
MELAS syndrome (MELAS). Also called: Juvenile myopathy, encephalopathy, lactic acidosis, stroke. Identifiers: Orphanet 550, MedGen C0162671, MONDO:0010789, OMIM 540000.

Submission:

Wong Mito Lab, Molecular and Human Genetics, Baylor College of Medicine
Classification: Benign for MELAS syndrome. Last evaluated: 2019-07-12. Review status: criteria provided, single submitter. Criteria: Modified ACMG Guidelines (Unpublished). Collection method: clinical testing. Allele origin: germline.
Comment: The NC_012920.1:m.15905T>C variant in MT-TT gene is interpreted to be a Benign variant based on the modified ACMG guidelines (unpublished). This variant meets the following evidence codes reported in the guidelines: BS1, BS2, BP4

Literature cited by the submitters: PubMed 31965079.

NC_012920.1(MT-TT):m.15905T>C

Gene: MT-TT (mitochondrially encoded tRNA threonine; plus strand).
Variant type: single nucleotide variant.
Genome position: chrM-15905-T-C.
Identifiers: ClinVar variation 690225 (VCV000690225.1), dbSNP rs879126276, ClinGen allele CA337100569.